The following is an entry in ClinVar:

ClinVar aggregate classification (germline): Uncertain significance (1 of 4 stars; one submission).

Submission:

GeneDx
Classification: Uncertain significance. Last evaluated: 2020-11-20. Review status: criteria provided, single submitter. Criteria: GeneDx Variant Classification Process June 2021. Collection method: clinical testing. Allele origin: germline. Affected: yes.
Comment: Not observed in large population cohorts (Lek et al., 2016); In silico analysis supports that this missense variant does not alter protein structure/function; Has not been previously published as pathogenic or benign to our knowledge

NM_013339.4(ALG6):c.264G>T (p.Lys88Asn)

Gene: ALG6 (ALG6 alpha-1,3-glucosyltransferase; plus strand). Cytogenetic location: 1p31.3.
Variant type: single nucleotide variant.
Coding change: c.264G>T on transcript NM_013339.4 (MANE Select); coding-DNA position 264, G replaced by T.
Protein change: p.Lys88Asn; replaces lysine 88 with asparagine.
Molecular consequence: missense variant.
Genome position (GRCh38, 1-based): chr1:63,404,459, G>T. VCF-style: chr1-63404459-G-T. GRCh37 (hg19) VCF-style: chr1-63870130-G-T.
Other names: short protein forms K88N.
Identifiers: ClinVar variation 1304738 (VCV001304738.2), dbSNP rs2100415378, ClinGen allele CA340634264.